The following is an entry in ClinVar:

NM_004104.5(FASN):c.2945C>T (p.Pro982Leu)

Gene: FASN (fatty acid synthase; minus strand). Cytogenetic location: 17q25.3.
Variant type: single nucleotide variant.
Coding change: c.2945C>T on transcript NM_004104.5 (MANE Select); coding-DNA position 2945, C replaced by T.
Protein change: p.Pro982Leu; replaces proline 982 with leucine.
Molecular consequence: missense variant.
Genome position (GRCh38, 1-based): chr17:82,087,783, G>A on the plus strand (C>T on the coding strand, the complement: FASN is on the minus strand). VCF-style: chr17-82087783-G-A. GRCh37 (hg19) VCF-style: chr17-80045659-G-A.
Other names: short protein forms P982L.
Identifiers: ClinVar variation 664910 (VCV000664910.8), dbSNP rs1467640635, ClinGen allele CA401555418.
Genomic context (GRCh38, chr17:82,087,783, plus strand): 5'-CCGTAGTCGTAGCCACGCAGACGCAGCTCCTTGTAAACTTCAGCCTGGGCCAGGAAGAGG[G>A]GCTCCGTGGGGTTGGGGGTGGGGCTTTCCGGGTGGTCGAAGAGCCTGGGGTCAGGGTCAT-3'
Protein context (NP_004095.4, residues 972-992): PESPTPNPTE[Pro982Leu]LFLAQAEVYK

ClinVar aggregate classification (germline): Uncertain significance (1 of 4 stars; one submission).

Conditions:
Epileptic encephalopathy. Identifiers: MedGen C0543888, HP:0200134.

Allele frequency attached by ClinVar (database versions not stated): gnomAD exomes below 0.00001.
gnomAD v4.1: 1 of 1,612,644 alleles (0.000062%); no homozygotes.

Submission:

Labcorp Genetics (formerly Invitae), Labcorp
Classification: Uncertain significance for Epileptic encephalopathy. Last evaluated: 2025-12-16. Review status: criteria provided, single submitter. Criteria: Invitae Variant Classification Sherloc (09022015). Collection method: clinical testing. Allele origin: germline.
Comment: This sequence change replaces proline, which is neutral and non-polar, with leucine, which is neutral and non-polar, at codon 982 of the FASN protein (p.Pro982Leu). This variant is present in population databases (no rsID available, gnomAD 0.005%). This variant has not been reported in the literature in individuals affected with FASN-related conditions. ClinVar contains an entry for this variant (Variation ID: 664910). An algorithm developed to predict the effect of missense changes on protein structure and function (PolyPhen-2) suggests that this variant is likely to be tolerated. In summary, the available evidence is currently insufficient to determine the role of this variant in disease. Therefore, it has been classified as a Variant of Uncertain Significance.